The following is an entry in ClinVar:

ClinVar aggregate classification (germline): Benign/Likely benign. Review status: criteria provided, multiple submitters, no conflicts (2 of 4 stars). 3 submissions from 3 submitters: Benign (1); Likely benign (1). 1 of the submissions does not count toward it. Last evaluated 2025-02-16.

Conditions:
SHROOM3-related disorder. Also called: SHROOM3-related condition.

Allele frequency attached by ClinVar (database versions not stated): gnomAD exomes 0.00024; gnomAD 0.00029; ExAC 0.00048.
gnomAD v4.1: 381 of 1,549,734 alleles (0.025%); highest among the groups gnomAD compares: Non-Finnish European, 0.03%; no homozygotes.

Submissions (3):

Laboratory of Genetics, Children's Clinical University Hospital Latvia
Classification: Benign. Last evaluated: 2025-02-16. Review status: criteria provided, single submitter. Criteria: ACMG Guidelines, 2015. Collection method: clinical testing. Allele origin: germline. Affected: yes.

CeGaT Center for Human Genetics Tuebingen
Classification: Likely benign. Last evaluated: 2023-03-01. Review status: criteria provided, single submitter. Criteria: CeGaT Center For Human Genetics Tuebingen Variant Classification Criteria Version 2. Collection method: clinical testing. Allele origin: germline. Affected: yes. Observed: 1 variant allele.
Comment: SHROOM3: BP4, BP7

PreventionGenetics, part of Exact Sciences
Classification: Likely benign for SHROOM3-related condition. Last evaluated: 2019-04-10. Review status: no assertion criteria provided. Collection method: clinical testing. Allele origin: germline. Not counted in ClinVar's aggregate classification.
Comment: This variant is classified as likely benign based on ACMG/AMP sequence variant interpretation guidelines (Richards et al. 2015 PMID: 25741868, with internal and published modifications).

NM_020859.4(SHROOM3):c.3492G>A (p.Gln1164=)

Genes: SHROOM3 (shroom family member 3; plus strand), SHROOM3-AS1 (SHROOM3 antisense RNA 1; minus strand). Cytogenetic location: 4q21.1.
Variant type: single nucleotide variant.
Coding change: c.3492G>A on transcript NM_020859.4 (MANE Select); coding-DNA position 3492, G replaced by A.
Protein change: p.Gln1164=; no amino-acid change (glutamine 1164 retained).
Molecular consequence: synonymous variant.
Genome position (GRCh38, 1-based): chr4:76,741,665, G>A. VCF-style: chr4-76741665-G-A. GRCh37 (hg19) VCF-style: chr4-77662818-G-A.
Other names: c.3492G>A (NM_020859.3).
Identifiers: ClinVar variation 2654832 (VCV002654832.26), dbSNP rs765538606, ClinGen allele CA2972793.